The following is an entry in ClinVar:

NM_021913.5(AXL):c.2012G>A (p.Arg671Gln)

Gene: AXL (AXL receptor tyrosine kinase; plus strand). Cytogenetic location: 19q13.2.
Variant type: single nucleotide variant.
Coding change: c.2012G>A on transcript NM_021913.5 (MANE Select); coding-DNA position 2012, G replaced by A.
Protein change: p.Arg671Gln; replaces arginine 671 with glutamine.
Molecular consequence: missense variant.
Genome position (GRCh38, 1-based): chr19:41,253,684, G>A. VCF-style: chr19-41253684-G-A. GRCh37 (hg19) VCF-style: chr19-41759589-G-A.
Other names: c.1208G>A, p.Arg403Gln (NM_001278599.2); c.1985G>A, p.Arg662Gln (NM_001699.6); short protein forms R403Q, R662Q, R671Q.
Identifiers: ClinVar variation 1366769 (VCV001366769.6), dbSNP rs1345126131, ClinGen allele CA405999165.

ClinVar aggregate classification (germline): Uncertain significance (1 of 4 stars; one submission).

Allele frequency attached by ClinVar (database versions not stated): gnomAD exomes below 0.00001; gnomAD 0.00001.
gnomAD v4.1: 12 of 1,613,234 alleles (0.00074%); highest among the groups gnomAD compares: East Asian, 0.0045%; no homozygotes.

Submission:

Labcorp Genetics (formerly Invitae), Labcorp
Classification: Uncertain significance. Last evaluated: 2021-12-02. Review status: criteria provided, single submitter. Criteria: Invitae Variant Classification Sherloc (09022015). Collection method: clinical testing. Allele origin: germline.
Comment: This variant is present in population databases (no rsID available, gnomAD 0.01%). In summary, the available evidence is currently insufficient to determine the role of this variant in disease. Therefore, it has been classified as a Variant of Uncertain Significance. Algorithms developed to predict the effect of missense changes on protein structure and function (SIFT, PolyPhen-2, Align-GVGD) all suggest that this variant is likely to be disruptive. This variant has not been reported in the literature in individuals affected with AXL-related conditions. This sequence change replaces arginine, which is basic and polar, with glutamine, which is neutral and polar, at codon 671 of the AXL protein (p.Arg671Gln).